The following is an entry in ClinVar:

ClinVar aggregate classification (germline): Uncertain significance. Review status: criteria provided, multiple submitters, no conflicts (2 of 4 stars). 4 submissions from 4 submitters: Uncertain significance (4). Last evaluated 2024-06-26.

Conditions:
Inborn genetic diseases. Identifiers: MedGen C0950123, MeSH D030342.
Donnai-Barrow syndrome. Also called: DBS/FOAR SYNDROME; FACIOOCULOACOUSTICORENAL SYNDROME. Identifiers: Orphanet 2143, MedGen C1857277, MONDO:0009104, OMIM 222448.

Allele frequency attached by ClinVar (database versions not stated): 1000 Genomes Project 30x 0.00016; 1000 Genomes Project 0.00020.
gnomAD v4.1: 18 of 1,614,116 alleles (0.0011%); highest among the groups gnomAD compares: African/African-American, 0.004%; no homozygotes.

Submissions (4):

Ambry Genetics
Classification: Uncertain significance for Inborn genetic diseases. Last evaluated: 2024-06-26. Review status: criteria provided, single submitter. Criteria: Ambry Variant Classification Scheme 2023. Collection method: clinical testing. Allele origin: germline.

Fulgent Genetics
Classification: Uncertain significance for Donnai-Barrow syndrome. Last evaluated: 2024-05-27. Review status: criteria provided, single submitter. Criteria: ACMG Guidelines, 2015. Collection method: clinical testing. Allele origin: germline.

Labcorp Genetics (formerly Invitae), Labcorp
Classification: Uncertain significance. Last evaluated: 2022-08-09. Review status: criteria provided, single submitter. Criteria: Invitae Variant Classification Sherloc (09022015). Collection method: clinical testing. Allele origin: germline.
Comment: This sequence change replaces glutamic acid, which is acidic and polar, with aspartic acid, which is acidic and polar, at codon 380 of the LRP2 protein (p.Glu380Asp). This variant is present in population databases (rs529409328, gnomAD 0.01%). This variant has not been reported in the literature in individuals affected with LRP2-related conditions. Advanced modeling of protein sequence and biophysical properties (such as structural, functional, and spatial information, amino acid conservation, physicochemical variation, residue mobility, and thermodynamic stability) performed at Invitae indicates that this missense variant is not expected to disrupt LRP2 protein function. In summary, the available evidence is currently insufficient to determine the role of this variant in disease. Therefore, it has been classified as a Variant of Uncertain Significance.

New York Genome Center
Classification: Uncertain significance for Donnai-Barrow syndrome. Last evaluated: 2022-02-03. Review status: criteria provided, single submitter. Criteria: NYGC Assertion Criteria 2020. Collection method: clinical testing. Allele origin: inherited. Observed: 1 compound heterozygote. Study: PrenatalSEQ.
Comment: The inherited c.1140G>T (p. Glu380Asp) missense variant identified in the LRP2 gene has not been reported in affected individuals in the literature. The variant has 0.00002628 allele frequency in the gnomAD(v3) database (4 out of 152210 heterozygous alleles, no homozygotes) suggesting it is not a common benign variant in the populations represented in that database. The variant affects an evolutionarily conserved residue in the exon 10 of LRP2 gene and is predicted deleterious by multiple in silico prediction tools (CADD score = 17.61, REVEL score = 0.642). Based on the available evidence, the inherited c.1140G>T (p. Glu380Asp) variant identified in the LRP2 gene is reported as a Variant of Uncertain Significance.

NM_004525.3(LRP2):c.1140G>T (p.Glu380Asp)

Gene: LRP2 (LDL receptor related protein 2; minus strand). Cytogenetic location: 2q31.1.
Variant type: single nucleotide variant.
Coding change: c.1140G>T on transcript NM_004525.3 (MANE Select); coding-DNA position 1140, G replaced by T.
Protein change: p.Glu380Asp; replaces glutamic acid 380 with aspartic acid.
Molecular consequence: missense variant.
Genome position (GRCh38, 1-based): chr2:169,282,904, C>A on the plus strand (G>T on the coding strand, the complement: LRP2 is on the minus strand). VCF-style: chr2-169282904-C-A. GRCh37 (hg19) VCF-style: chr2-170139414-C-A.
Other names: c.1140G>T (NM_004525.2); short protein forms E380D.
Identifiers: ClinVar variation 1933731 (VCV001933731.5), dbSNP rs529409328, ClinGen allele CA1955643.
Genomic context (GRCh38, chr2:169,282,904, plus strand): 5'-AGAGACACAGGTGTCCATAATTTACTCACAGGAATCATTAGCTTTGCAATACTGTCCACG[C>A]TCCAAGATATACCCTTCTTCACAGTGGCACAGGTGACGGCCAGGTCGGCTTTCACACTTC-3'
Protein context (NP_004516.2, residues 370-390): LCHCEEGYIL[Glu380Asp]RGQYCKANDS